The following is an entry in ClinVar:

ClinVar aggregate classification (germline): Uncertain significance (1 of 4 stars; one submission).

Conditions:
Lethal congenital contracture syndrome 1 (LCCS1). Also called: MULTIPLE CONTRACTURE SYNDROME, FINNISH TYPE. Identifiers: Orphanet 1486, MedGen C1854664, MONDO:0009670, OMIM 253310.

Submission:

Neuberg Centre For Genomic Medicine, NCGM
Classification: Uncertain significance for Lethal congenital contracture syndrome 1. Last evaluated: 2024-02-01. Review status: criteria provided, single submitter. Criteria: ACMG Guidelines, 2015. Collection method: clinical testing. Allele origin: germline. Inheritance: Autosomal recessive inheritance. Affected: yes.
Comment: The above variant in GLE1 gene has not been reported previously as a pathogenic variant nor as a benign variant, to our knowledge

NM_001003722.2(GLE1):c.1658A>G (p.Tyr553Cys)

Genes: GLE1 (GLE1 RNA export mediator; plus strand), LOC101929270 (uncharacterized LOC101929270; minus strand). Cytogenetic location: 9q34.11.
Variant type: single nucleotide variant.
Coding change: c.1658A>G on transcript NM_001003722.2 (MANE Select); coding-DNA position 1658, A replaced by G.
Protein change: p.Tyr553Cys; replaces tyrosine 553 with cysteine.
Molecular consequence: missense variant.
Genome position (GRCh38, 1-based): chr9:128,536,366, A>G. VCF-style: chr9-128536366-A-G. GRCh37 (hg19) VCF-style: chr9-131298645-A-G.
Other names: c.1685A>G, p.Tyr562Cys (NM_001411013.1); c.1658A>G, p.Tyr553Cys (NM_001499.2); short protein forms Y553C, Y562C.
Identifiers: ClinVar variation 3895502 (VCV003895502.2).